The following is an entry in ClinVar:

ClinVar aggregate classification (germline): Uncertain significance (1 of 4 stars; one submission).

Conditions:
Congenital myasthenic syndrome 15. Also called: Myasthenic syndrome, congenital, 15, without tubular aggregates. Identifiers: Orphanet 353327, Orphanet 590, MedGen C4015596, MONDO:0014542, OMIM 616227.

Allele frequency attached by ClinVar (database versions not stated): ExAC 0.00001; gnomAD 0.00001; gnomAD exomes 0.00001; TOPMed 0.00001; ESP Exome Variant Server 0.00008.
gnomAD v4.1: 8 of 1,604,880 alleles (0.0005%); highest among the groups gnomAD compares: Admixed American, 0.0034%; no homozygotes.

Submission:

Labcorp Genetics (formerly Invitae), Labcorp
Classification: Uncertain significance for Congenital myasthenic syndrome 15. Last evaluated: 2023-01-01. Review status: criteria provided, single submitter. Criteria: Invitae Variant Classification Sherloc (09022015). Collection method: clinical testing. Allele origin: germline.
Comment: This sequence change replaces methionine, which is neutral and non-polar, with isoleucine, which is neutral and non-polar, at codon 96 of the ALG14 protein (p.Met96Ile). This variant also falls at the last nucleotide of exon 2, which is part of the consensus splice site for this exon. This variant is not present in population databases (gnomAD no frequency). This variant has not been reported in the literature in individuals affected with ALG14-related conditions. Algorithms developed to predict the effect of missense changes on protein structure and function (SIFT, PolyPhen-2, Align-GVGD) all suggest that this variant is likely to be tolerated. Variants that disrupt the consensus splice site are a relatively common cause of aberrant splicing (PMID: 17576681, 9536098). In summary, the available evidence is currently insufficient to determine the role of this variant in disease. Therefore, it has been classified as a Variant of Uncertain Significance.

Literature cited by the submitters: PubMed 17576681; PubMed 9536098.

NM_144988.4(ALG14):c.288G>T (p.Met96Ile)

Genes: ALG14 (ALG14 UDP-N-acetylglucosaminyltransferase subunit; minus strand), ALG14-AS1 (ALG14 antisense RNA 1; plus strand). Cytogenetic location: 1p21.3.
Variant type: single nucleotide variant.
Coding change: c.288G>T on transcript NM_144988.4 (MANE Select); coding-DNA position 288, G replaced by T.
Protein change: p.Met96Ile; replaces methionine 96 with isoleucine.
Molecular consequence: missense variant.
Genome position (GRCh38, 1-based): chr1:95,064,866, C>A on the plus strand (G>T on the coding strand, the complement: ALG14 is on the minus strand). VCF-style: chr1-95064866-C-A. GRCh37 (hg19) VCF-style: chr1-95530422-C-A.
Other names: c.288G>T, p.Met96Ile (NM_001305242.2); short protein forms M96I.
Identifiers: ClinVar variation 2849275 (VCV002849275.3), dbSNP rs143242417, ClinGen allele CA961833.